The following is an entry in ClinVar:

ClinVar aggregate classification (germline): Uncertain significance. Review status: criteria provided, multiple submitters, no conflicts (2 of 4 stars). 2 submissions from 2 submitters: Uncertain significance (2). Last evaluated 2025-07-21.

Allele frequency attached by ClinVar (database versions not stated): TOPMed 0.00010; gnomAD 0.00011 and 0.00013; gnomAD exomes 0.00011 and 0.00012; ExAC 0.00016; ESP Exome Variant Server 0.00025; 1000 Genomes Project 30x 0.00031; 1000 Genomes Project 0.00040.
gnomAD v4.1: 177 of 1,611,656 alleles (0.011%); highest among the groups gnomAD compares: East Asian, 0.12%; no homozygotes.

Submissions (2):

Labcorp Genetics (formerly Invitae), Labcorp
Classification: Uncertain significance. Last evaluated: 2025-07-21. Review status: criteria provided, single submitter. Criteria: Invitae Variant Classification Sherloc (09022015). Collection method: clinical testing. Allele origin: germline.
Comment: This sequence change replaces arginine, which is basic and polar, with histidine, which is basic and polar, at codon 521 of the C7 protein (p.Arg521His). This variant is present in population databases (rs144118466, gnomAD 0.09%). This variant has not been reported in the literature in individuals affected with C7-related conditions. ClinVar contains an entry for this variant (Variation ID: 1302517). Invitae Evidence Modeling of protein sequence and biophysical properties (such as structural, functional, and spatial information, amino acid conservation, physicochemical variation, residue mobility, and thermodynamic stability) indicates that this missense variant is expected to disrupt C7 protein function with a positive predictive value of 80%. In summary, the available evidence is currently insufficient to determine the role of this variant in disease. Therefore, it has been classified as a Variant of Uncertain Significance.

GeneDx
Classification: Uncertain significance. Last evaluated: 2019-09-03. Review status: criteria provided, single submitter. Criteria: GeneDx Variant Classification Process June 2021. Collection method: clinical testing. Allele origin: germline. Affected: yes.
Comment: In silico analysis, which includes protein predictors and evolutionary conservation, supports a deleterious effect; Has not been previously published as pathogenic or benign to our knowledge

NM_000587.4(C7):c.1562G>A (p.Arg521His)

Gene: C7 (complement C7; plus strand). Cytogenetic location: 5p13.1.
Variant type: single nucleotide variant.
Coding change: c.1562G>A on transcript NM_000587.4 (MANE Select); coding-DNA position 1562, G replaced by A.
Protein change: p.Arg521His; replaces arginine 521 with histidine.
Molecular consequence: missense variant.
Genome position (GRCh38, 1-based): chr5:40,959,521, G>A. VCF-style: chr5-40959521-G-A. GRCh37 (hg19) VCF-style: chr5-40959623-G-A.
Other names: short protein forms R521H.
Identifiers: ClinVar variation 1302517 (VCV001302517.7), dbSNP rs144118466, ClinGen allele CA3250016.